The following is an entry in ClinVar:

NM_000540.3(RYR1):c.8932+226C>T

Gene: RYR1 (ryanodine receptor 1; plus strand). Cytogenetic location: 19q13.2.
Variant type: single nucleotide variant.
Coding change: c.8932+226C>T on transcript NM_000540.3 (MANE Select); 226 bases into the intron after coding-DNA position 8932, C replaced by T.
Molecular consequence: intron variant.
Genome position (GRCh38, 1-based): chr19:38,508,053, C>T. VCF-style: chr19-38508053-C-T. GRCh37 (hg19) VCF-style: chr19-38998693-C-T.
Other names: c.8932+226C>T (NM_000540.2, NM_001042723.2).
Identifiers: ClinVar variation 3378214 (VCV003378214.2).

ClinVar aggregate classification (germline): Conflicting classifications of pathogenicity. Review status: criteria provided, conflicting classifications (1 of 4 stars). 2 submissions from 2 submitters: Likely pathogenic (1); Uncertain significance (1). Last evaluated 2024-05-14.

Conditions:
Central core myopathy (CMYO1A). Also called: CONGENITAL MYOPATHY 1A, AUTOSOMAL DOMINANT, WITH SUSCEPTIBILITY TO MALIGNANT HYPERTHERMIA; Central core disease; Myopathy, central fibrillar. Identifiers: Orphanet 597, MedGen C5830701, MONDO:0007294, OMIM 117000.
Congenital multicore myopathy with external ophthalmoplegia (CMYO1B). Also called: MULTICORE MYOPATHY; Minicore myopathy with external ophthalmoplegia; Congenital myopathy 1B, autosomal recessive; Minicore myopathy; MULTIMINICORE DISEASE WITH EXTERNAL OPHTHALMOPLEGIA. Identifiers: Orphanet 598, Orphanet 98905, MedGen C1850674, MONDO:0009712, OMIM 255320, HP:0003789.

gnomAD v4.1: 1 of 152,074 alleles (0.00066%); no homozygotes.

Submissions (2):

GeneDx
Classification: Uncertain significance. Last evaluated: 2024-05-14. Review status: criteria provided, single submitter. Criteria: GeneDx Variant Classification Process June 2021. Collection method: clinical testing. Allele origin: germline. Affected: yes.
Comment: Has not been previously published as pathogenic or benign to our knowledge; No data available from control populations to assess the frequency of this variant; In silico analysis suggests this variant may impact gene splicing. In the absence of RNA/functional studies, the actual effect of this sequence change is unknown.

New York Genome Center
Classification: Likely pathogenic for Central core myopathy; Congenital multicore myopathy with external ophthalmoplegia. Last evaluated: 2023-08-29. Review status: criteria provided, single submitter. Criteria: NYGC Assertion Criteria 2020. Collection method: clinical testing. Allele origin: inherited. Affected: yes. Observed: 1 variant allele, 1 compound heterozygote.
Comment: The inherited c.8932+226C>T variant identified in the RYR1 gene is a deep intronic variant within intron 58/105, and is predicted by multiple in silico splicing algorithms to affect splicing (spliceAI delta score: 0.90, donor gain -2bp; TraP score: 0.643 (99-99.9%); VarSEAK class 4). This variant is found with low frequency in population databases (gnomADv2.1.1, gnomADv3.1.2, BRAVO-TopMed, All of US) with allele frequency 2.22e-6 (0 homozygotes), suggesting it is not a common benign variant in the populations represented in those databases. This variant is absent from ClinVar and to our current knowledge has not been reported in affected individuals in the literature. Segregation studies by targeted variant testing in this family for the familial RYR1 c.12319del, p.(Ile4107SerfsTer15) and RYR1 c.8932+226C>T variants have confirmed segregation of these two variants with disease in one additional affected fetus and four unaffected siblings. Given this, the inherited c.8932+226C>T variant identified in the RYR1 gene is reported here as Likely Pathogenic.